The following is an entry in ClinVar:

ClinVar aggregate classification (germline): Uncertain significance (1 of 4 stars; one submission).

Conditions:
Congenital disorder of glycosylation type Ir (CDG1R). Also called: DDOST-congenital disorder of glycosylation. Identifiers: Orphanet 300536, MedGen C3281084, MONDO:0013789, OMIM 614507.

Allele frequency attached by ClinVar (database versions not stated): gnomAD exomes 0.00001; ExAC 0.00002; gnomAD 0.00003; TOPMed 0.00005.
gnomAD v4.1: 20 of 1,612,602 alleles (0.0012%); highest among the groups gnomAD compares: Middle Eastern, 0.033%; no homozygotes.

Submission:

Labcorp Genetics (formerly Invitae), Labcorp
Classification: Uncertain significance for Congenital disorder of glycosylation type Ir. Last evaluated: 2022-04-12. Review status: criteria provided, single submitter. Criteria: Invitae Variant Classification Sherloc (09022015). Collection method: clinical testing. Allele origin: germline.
Comment: Algorithms developed to predict the effect of sequence changes on RNA splicing suggest that this variant may create or strengthen a splice site. This variant has not been reported in the literature in individuals affected with DDOST-related conditions. This variant is present in population databases (rs17849634, gnomAD 0.01%). This sequence change affects codon 317 of the DDOST mRNA. It is a 'silent' change, meaning that it does not change the encoded amino acid sequence of the DDOST protein. In summary, the available evidence is currently insufficient to determine the role of this variant in disease. Therefore, it has been classified as a Variant of Uncertain Significance.

NM_005216.5(DDOST):c.900C>T (p.Gly300=)

Gene: DDOST (dolichyl-diphosphooligosaccharide--protein glycosyltransferase non-catalytic subunit; minus strand). Cytogenetic location: 1p36.12.
Variant type: single nucleotide variant.
Coding change: c.900C>T on transcript NM_005216.5 (MANE Select); coding-DNA position 900, C replaced by T.
Protein change: p.Gly300=; no amino-acid change (glycine 300 retained).
Molecular consequence: synonymous variant.
Genome position (GRCh38, 1-based): chr1:20,653,669, G>A on the plus strand (C>T on the coding strand, the complement: DDOST is on the minus strand). VCF-style: chr1-20653669-G-A. GRCh37 (hg19) VCF-style: chr1-20980162-G-A.
Identifiers: ClinVar variation 2142767 (VCV002142767.4), dbSNP rs17849634, ClinGen allele CA661090.